The following is an entry in ClinVar:

NM_004006.3(DMD):c.5852A>C (p.Gln1951Pro)

Gene: DMD (dystrophin; minus strand). Cytogenetic location: Xp21.1.
Variant type: single nucleotide variant.
Coding change: c.5852A>C on transcript NM_004006.3 (MANE Select); coding-DNA position 5852, A replaced by C.
Protein change: p.Gln1951Pro; replaces glutamine 1951 with proline.
Molecular consequence: missense variant.
Genome position (GRCh38, 1-based): chrX:32,342,170, T>G on the plus strand (A>C on the coding strand, the complement: DMD is on the minus strand). VCF-style: chrX-32342170-T-G. GRCh37 (hg19) VCF-style: chrX-32360287-T-G.
Other names: c.5828A>C, p.Gln1943Pro (NM_000109.4); c.5840A>C, p.Gln1947Pro (NM_004009.3); c.5483A>C, p.Gln1828Pro (NM_004010.3); c.1829A>C, p.Gln610Pro (NM_004011.4); c.1820A>C, p.Gln607Pro (NM_004012.4); short protein forms Q1947P, Q610P, Q1943P, Q607P, Q1828P, Q1951P.
Identifiers: ClinVar variation 1750079 (VCV001750079.2), dbSNP rs2521806335, ClinGen allele CA412664943.

ClinVar aggregate classification (germline): Uncertain significance (1 of 4 stars; one submission).

Conditions:
Cardiovascular phenotype. Identifiers: MedGen CN230736.

Submission:

Ambry Genetics
Classification: Uncertain significance for Cardiovascular phenotype. Last evaluated: 2020-12-29. Review status: criteria provided, single submitter. Criteria: Ambry Variant Classification Scheme 2023. Collection method: clinical testing. Allele origin: germline.
Comment: The p.Q1951P variant (also known as c.5852A>C), located in coding exon 41 of the DMD gene, results from an A to C substitution at nucleotide position 5852. The glutamine at codon 1951 is replaced by proline, an amino acid with similar properties. This amino acid position is highly conserved in available vertebrate species. In addition, this alteration is predicted to be tolerated by in silico analysis. Since supporting evidence is limited at this time, the clinical significance of this alteration remains unclear.